The following is an entry in ClinVar:

NM_001035.3(RYR2):c.4911A>G (p.Arg1637=)

Gene: RYR2 (ryanodine receptor 2; plus strand). Cytogenetic location: 1q43.
Variant type: single nucleotide variant.
Coding change: c.4911A>G on transcript NM_001035.3 (MANE Select); coding-DNA position 4911, A replaced by G.
Protein change: p.Arg1637=; no amino-acid change (arginine 1637 retained).
Molecular consequence: synonymous variant.
Genome position (GRCh38, 1-based): chr1:237,614,039, A>G. VCF-style: chr1-237614039-A-G. GRCh37 (hg19) VCF-style: chr1-237777339-A-G.
Other names: c.4911A>G (NM_001035.2).
Identifiers: ClinVar variation 1403124 (VCV001403124.10), dbSNP rs1251055364, ClinGen allele CA423821063.

ClinVar aggregate classification (germline): Conflicting classifications of pathogenicity. Review status: criteria provided, conflicting classifications (1 of 4 stars). 3 submissions from 3 submitters: Uncertain significance (1); Likely benign (2). Last evaluated 2025-08-17.

Conditions:
Cardiovascular phenotype. Identifiers: MedGen CN230736.
Catecholaminergic polymorphic ventricular tachycardia 1. Also called: VENTRICULAR TACHYCARDIA, STRESS-INDUCED POLYMORPHIC 1; VENTRICULAR TACHYCARDIA, CATECHOLAMINERGIC POLYMORPHIC, 1, WITH OR WITHOUT ATRIAL DYSFUNCTION AND/OR DILATED CARDIOMYOPATHY; RYR2-Related Catecholaminergic Polymorphic Ventricular Tachycardia. Identifiers: Orphanet 3286, MedGen C1631597, MONDO:0011484, OMIM 604772.
Catecholaminergic polymorphic ventricular tachycardia (CVPT). Also called: Catecholamine-induced polymorphic ventricular tachycardia. Identifiers: Orphanet 3286, MedGen C5574922, MONDO:0017990.

Allele frequency attached by ClinVar (database versions not stated): gnomAD exomes below 0.00001 and 0.00001; gnomAD 0.00001.
gnomAD v4.1: 12 of 1,610,462 alleles (0.00075%); highest among the groups gnomAD compares: Admixed American, 0.0017%; no homozygotes.

Submissions (3):

Labcorp Genetics (formerly Invitae), Labcorp
Classification: Uncertain significance for Catecholaminergic polymorphic ventricular tachycardia 1. Last evaluated: 2025-08-17. Review status: criteria provided, single submitter. Criteria: Invitae Variant Classification Sherloc (09022015). Collection method: clinical testing. Allele origin: germline.
Comment: This sequence change affects codon 1637 of the RYR2 mRNA. It is a 'silent' change, meaning that it does not change the encoded amino acid sequence of the RYR2 protein. It affects a nucleotide within the consensus splice site. This variant is present in population databases (no rsID available, gnomAD 0.0009%). This variant has not been reported in the literature in individuals affected with RYR2-related conditions. ClinVar contains an entry for this variant (Variation ID: 1403124). Algorithms developed to predict the effect of sequence changes on RNA splicing suggest that this variant is not likely to affect RNA splicing. In summary, the available evidence is currently insufficient to determine the role of this variant in disease. Therefore, it has been classified as a Variant of Uncertain Significance.

Ambry Genetics
Classification: Likely benign for Cardiovascular phenotype. Last evaluated: 2025-07-15. Review status: criteria provided, single submitter. Criteria: Ambry Variant Classification Scheme 2023. Collection method: clinical testing. Allele origin: germline.

All of Us Research Program, National Institutes of Health
Classification: Likely benign for Catecholaminergic polymorphic ventricular tachycardia. Last evaluated: 2023-12-13. Review status: criteria provided, single submitter. Criteria: ACMG Guidelines, 2015. Collection method: clinical testing. Allele origin: germline. Inheritance: Autosomal dominant inheritance. Observed: 1 variant allele, 1 heterozygote.
Comment: This study involves interpretation of variants in research participants for the purpose of population health screening. Participant phenotype was not available at the time of variant classification. Additional details can be found in publication PMID: 35346344, PMCID: PMC8962531